The following is an entry in ClinVar:

ClinVar aggregate classification (germline): Conflicting classifications of pathogenicity. Review status: criteria provided, conflicting classifications (1 of 4 stars). 6 submissions from 6 submitters: Pathogenic (1); Likely pathogenic (4); Uncertain significance (1). Last evaluated 2025-01-20.

Conditions:
RUNX2-related disorder. Also called: RUNX2-related condition.
Metaphyseal dysplasia-maxillary hypoplasia-brachydacty syndrome. Also called: Metaphyseal dysplasia with maxillary hypoplasia and brachydactyly; METAPHYSEAL DYSPLASIA AND MAXILLARY HYPOPLASIA WITH OR WITHOUT BRACHYDACTYLY; Metaphyseal dysplasia with maxillary hypoplasia with or without brachydactyly. Identifiers: Orphanet 2504, MedGen C3549874, MONDO:0007984, OMIM 156510.
Cleidocranial dysostosis (CLCD1). Also called: Marie-Sainton disease; Cleidocranial Dysplasia Spectrum Disorder; cleidocranial dysplasia 1. Identifiers: Orphanet 1452, MedGen C0008928, MONDO:0007340, OMIM 119600.

Allele frequency attached by ClinVar (database versions not stated): gnomAD exomes below 0.00001.
gnomAD v4.1: 1 of 1,614,072 alleles (0.000062%); highest among the groups gnomAD compares: Non-Finnish European, 0.000085%; no homozygotes.

Submissions (6):

Labcorp Genetics (formerly Invitae), Labcorp
Classification: Pathogenic. Last evaluated: 2025-01-20. Review status: criteria provided, single submitter. Criteria: Invitae Variant Classification Sherloc (09022015). Collection method: clinical testing. Allele origin: germline.
Comment: This sequence change replaces glycine, which is neutral and non-polar, with arginine, which is basic and polar, at codon 146 of the RUNX2 protein (p.Gly146Arg). This variant is present in population databases (no rsID available, gnomAD 0.0009%). This missense change has been observed in individual(s) with cleidocranial dysplasia (PMID: 11321595, 12132307; internal data). In at least one individual the variant was observed to be de novo. It has also been observed to segregate with disease in related individuals. This variant is also known as c.442G>A (p.Gly148Arg). ClinVar contains an entry for this variant (Variation ID: 2656616). Invitae Evidence Modeling of protein sequence and biophysical properties (such as structural, functional, and spatial information, amino acid conservation, physicochemical variation, residue mobility, and thermodynamic stability) indicates that this missense variant is expected to disrupt RUNX2 protein function with a positive predictive value of 80%. For these reasons, this variant has been classified as Pathogenic.

GeneDx
Classification: Likely pathogenic. Last evaluated: 2025-01-03. Review status: criteria provided, single submitter. Criteria: GeneDx Variant Classification Process June 2021. Collection method: clinical testing. Allele origin: germline. Affected: yes.
Comment: Identified in two patients from the same family with cleidocranial dysplasia (PMID: 16222673); Not observed at significant frequency in large population cohorts (gnomAD); In silico analysis supports that this missense variant has a deleterious effect on protein structure/function; This variant is associated with the following publications: (PMID: 11321595, 15301373, 16222673)

Blueprint Genetics
Classification: Likely pathogenic for RUNX2-related disorders. Last evaluated: 2024-05-30. Review status: criteria provided, single submitter. Criteria: ACMG Guidelines, 2015. Collection method: clinical testing. Allele origin: germline. Affected: yes. Observed: 4 variant alleles.

CeGaT Center for Human Genetics Tuebingen
Classification: Likely pathogenic. Last evaluated: 2023-10-01. Review status: criteria provided, single submitter. Criteria: CeGaT Center For Human Genetics Tuebingen Variant Classification Criteria Version 2. Collection method: clinical testing. Allele origin: germline. Affected: yes. Observed: 1 variant allele.
Comment: RUNX2: PM1, PM2, PP1:Moderate, PS4:Moderate, PP3

Revvity Omics, Revvity
Classification: Uncertain significance. Last evaluated: 2023-03-29. Review status: criteria provided, single submitter. Criteria: ACMG Guidelines, 2015. Collection method: clinical testing. Allele origin: germline.

Juno Genomics, Hangzhou Juno Genomics, Inc
Classification: Likely pathogenic for Cleidocranial dysostosis; Metaphyseal dysplasia-maxillary hypoplasia-brachydacty syndrome. Review status: criteria provided, single submitter. Criteria: ACMG Guidelines, 2015. Collection method: clinical testing. Allele origin: germline. Affected: yes.
Comment: Absent from controls (or at extremely low frequency if recessive) in Genome Aggregation Database.;Multiple lines of computational evidence support a deleterious effect on the gene or gene product.;The prevalence of the variant in affected individuals is significantly increased compared to the prevalence in controls.

Literature cited by the submitters: PubMed 11321595 (cited by Labcorp Genetics (formerly Invitae), Labcorp); PubMed 12132307 (cited by Labcorp Genetics (formerly Invitae), Labcorp).

NM_001024630.4(RUNX2):c.436G>A (p.Gly146Arg)

Gene: RUNX2 (RUNX family transcription factor 2; plus strand). Cytogenetic location: 6p21.1.
Variant type: single nucleotide variant.
Coding change: c.436G>A on transcript NM_001024630.4 (MANE Select); coding-DNA position 436, G replaced by A.
Protein change: p.Gly146Arg; replaces glycine 146 with arginine.
Molecular consequence: missense variant.
Genome position (GRCh38, 1-based): chr6:45,431,875, G>A. VCF-style: chr6-45431875-G-A. GRCh37 (hg19) VCF-style: chr6-45399612-G-A.
Other names: c.436G>A (NM_001024630.3); c.436G>A, p.Gly146Arg (NM_001015051.4); c.394G>A, p.Gly132Arg (NM_001278478.2, NM_001369405.1, NM_004348.3); short protein forms G132R, G146R.
Identifiers: ClinVar variation 2656616 (VCV002656616.31), dbSNP rs1428979499, ClinGen allele CA363959777.